The following is an entry in ClinVar:

ClinVar aggregate classification (germline): Pathogenic/Likely pathogenic. Review status: criteria provided, multiple submitters, no conflicts (2 of 4 stars). 3 submissions from 3 submitters: Pathogenic (2); Likely pathogenic (1). Last evaluated 2025-12-05.

Conditions:
3-hydroxyisobutyryl-CoA hydrolase deficiency. Also called: HIBCH DEFICIENCY; METHACRYLIC ACID TOXICITY; METHACRYLIC ACIDURIA; VALINE METABOLIC DEFECT; Reduced circulating 3-hydroxyisobutyryl-CoA hydrolase activity; Deficiency of 3-hydroxyisobutyryl CoA hydrolase. Identifiers: Orphanet 88639, MedGen C0342738, MONDO:0009603, OMIM 250620, HP:6000215.

Submissions (3):

GeneDx
Classification: Likely pathogenic. Last evaluated: 2025-12-05. Review status: criteria provided, single submitter. Criteria: GeneDx Variant Classification Process June 2021. Collection method: clinical testing. Allele origin: germline.
Comment: Deletion of canonical splice site expected to result in aberrant splicing; analysis of cDNA generated from patient cells showed skipping of exon 12, leading to a frameshift and resulting in a truncated transcript; western blot analysis showed absent protein expression compared to wildtype controls (PMID: 29703962); Not observed at significant frequency in large population cohorts (gnomAD); This variant is associated with the following publications: (PMID: 29703962, 36368352)

Mayo Clinic Laboratories, Mayo Clinic
Classification: Pathogenic. Last evaluated: 2025-06-30. Review status: criteria provided, single submitter. Criteria: ACMG Guidelines, 2015. Collection method: clinical testing. Allele origin: germline. Observed: 1 variant allele.
Comment: PM2_supporting, PM3, PS3_supporting, PVS1

Labcorp Genetics (formerly Invitae), Labcorp
Classification: Pathogenic for 3-hydroxyisobutyryl-CoA hydrolase deficiency. Last evaluated: 2023-07-21. Review status: criteria provided, single submitter. Criteria: Invitae Variant Classification Sherloc (09022015). Collection method: clinical testing. Allele origin: germline.
Comment: For these reasons, this variant has been classified as Pathogenic. This variant disrupts a region of the HIBCH protein in which other variant(s) (p.Arg338*) have been determined to be pathogenic (Invitae). This suggests that this is a clinically significant region of the protein, and that variants that disrupt it are likely to be disease-causing. Studies have shown that this variant results in skipping of exon 12 and introduces a new termination codon (PMID: 29703962). However the mRNA is not expected to undergo nonsense-mediated decay. ClinVar contains an entry for this variant (Variation ID: 2141605). This variant has been observed in individual(s) with 3-hydroxyisobutryl-CoA hydrolase deficiency (PMID: 29703962). This variant is not present in population databases (gnomAD no frequency). This variant results in the deletion of part of exon 12 (c.1010_1011+3del) of the HIBCH gene. RNA analysis indicates that this variant induces altered splicing and likely disrupts the C-terminus of the protein.

Literature cited by the submitters: PubMed 29703962 (cited by Mayo Clinic Laboratories, Mayo Clinic and Labcorp Genetics (formerly Invitae), Labcorp).

NM_014362.4(HIBCH):c.1010_1011+3del

Gene: HIBCH (3-hydroxyisobutyryl-CoA hydrolase; minus strand). Cytogenetic location: 2q32.2.
Variant type: Deletion.
Coding change: c.1010_1011+3del on transcript NM_014362.4 (MANE Select); coding-DNA position 1010 through 3 bases into the intron after coding-DNA position 1011, 5 bases deleted (TGGTA; older notation c.1010_1011+3delTGGTA).
Molecular consequence: splice donor variant.
Genome position (GRCh38, 1-based): chr2:190,212,953-190,212,957, TACCA deleted on the plus strand (TGGTA on the coding strand, the reverse complement: HIBCH is on the minus strand); deleting any 5 consecutive bases within chr2:190,212,953-190,212,960 gives the same sequence; the c. name uses the placement nearest the transcript's 3' end. VCF-style (leftmost placement, unchanged base first): chr2-190212952-TTACCA-T. GRCh37 (hg19) VCF-style: chr2-191077678-TTACCA-T.
Other names: p.Cys336*; c.1010_1011+3del (NM_198047.3).
Identifiers: ClinVar variation 2141605 (VCV002141605.7), dbSNP rs751676774, ClinGen allele CA2027408.